The following is an entry in ClinVar:

NM_001003841.3(SLC6A19):c.812C>T (p.Ala271Val)

Gene: SLC6A19 (solute carrier family 6 member 19; plus strand). Cytogenetic location: 5p15.33.
Variant type: single nucleotide variant.
Coding change: c.812C>T on transcript NM_001003841.3 (MANE Select); coding-DNA position 812, C replaced by T.
Protein change: p.Ala271Val; replaces alanine 271 with valine.
Molecular consequence: missense variant.
Genome position (GRCh38, 1-based): chr5:1,213,990, C>T. VCF-style: chr5-1213990-C-T. GRCh37 (hg19) VCF-style: chr5-1214105-C-T.
Other names: short protein forms A271V.
Identifiers: ClinVar variation 1320960 (VCV001320960.11), dbSNP rs374976872, ClinGen allele CA3182903.

ClinVar aggregate classification (germline): Conflicting classifications of pathogenicity. Review status: criteria provided, conflicting classifications (1 of 4 stars). 2 submissions from 2 submitters: Uncertain significance (1); Likely benign (1). Last evaluated 2025-09-08.

Allele frequency attached by ClinVar (database versions not stated): TOPMed 0.00005; gnomAD 0.00006 and 0.00009; ExAC 0.00012; gnomAD exomes 0.00014; ESP Exome Variant Server 0.00015; 1000 Genomes Project 30x 0.00016; 1000 Genomes Project 0.00020.
gnomAD v4.1: 171 of 1,613,572 alleles (0.011%); highest among the groups gnomAD compares: East Asian, 0.033%; 1 homozygote.

Submissions (2):

Labcorp Genetics (formerly Invitae), Labcorp
Classification: Likely benign. Last evaluated: 2025-09-08. Review status: criteria provided, single submitter. Criteria: Invitae Variant Classification Sherloc (09022015). Collection method: clinical testing. Allele origin: germline.

GeneDx
Classification: Uncertain significance. Last evaluated: 2025-06-24. Review status: criteria provided, single submitter. Criteria: GeneDx Variant Classification Process June 2021. Collection method: clinical testing. Allele origin: germline. Affected: yes.
Comment: In silico analysis supports that this missense variant has a deleterious effect on protein structure/function; Has not been previously published as pathogenic or benign to our knowledge